The following is an entry in ClinVar:

ClinVar aggregate classification (germline): Uncertain significance (1 of 4 stars; one submission).

Conditions:
KDM6A-related disorder. Also called: KDM6A-related condition.

Submission:

PreventionGenetics, part of Exact Sciences
Classification: Uncertain significance for KDM6A-related condition. Last evaluated: 2025-04-01. Review status: criteria provided, single submitter. Criteria: ACMG Guidelines, 2015. Collection method: clinical testing. Allele origin: germline.
Comment: The KDM6A c.1603A>G variant is predicted to result in the amino acid substitution p.Thr535Ala. malformations in non peer-reviewed article. This variant has not been reported in a large population database (gnomAD), indicating this variant is rare. At this time, the clinical significance of this variant is uncertain due to the absence of conclusive functional and genetic evidence.

NM_001291415.2(KDM6A):c.1759A>G (p.Thr587Ala)

Gene: KDM6A (lysine demethylase 6A; plus strand). Cytogenetic location: Xp11.3.
Variant type: single nucleotide variant.
Coding change: c.1759A>G on transcript NM_001291415.2 (MANE Select); coding-DNA position 1759, A replaced by G.
Protein change: p.Thr587Ala; replaces threonine 587 with alanine.
Molecular consequence: missense variant. On other transcripts: non-coding transcript variant (1).
Genome position (GRCh38, 1-based): chrX:45,063,497, A>G. VCF-style: chrX-45063497-A-G. GRCh37 (hg19) VCF-style: chrX-44922742-A-G.
Other names: c.1624A>G, p.Thr542Ala (NM_001291416.2, NM_001419811.1); c.1468A>G, p.Thr490Ala (NM_001291417.2); c.1366A>G, p.Thr456Ala (NM_001291418.2, NM_001419815.1); c.715A>G, p.Thr239Ala (NM_001291421.2); c.1501A>G, p.Thr501Ala (NM_001410742.1, NM_001419814.1); c.1759A>G, p.Thr587Ala (NM_001419809.1); c.1657A>G, p.Thr553Ala (NM_001419810.1, NM_001419813.1); c.1603A>G, p.Thr535Ala (NM_001419812.1, NM_021140.4); short protein forms T501A, T542A, T239A, T456A, T535A, T587A, T490A, T553A.
Identifiers: ClinVar variation 4998313 (VCV004998313.1).